The following is an entry in ClinVar:

ClinVar aggregate classification (germline): Uncertain significance (1 of 4 stars; one submission).

Conditions:
Neonatal-onset encephalopathy with rigidity and seizures. Also called: Lethal neonatal spasticity-epileptic encephalopathy syndrome. Identifiers: Orphanet 435845, MedGen C3281029, MONDO:0013784, OMIM 614498.

Allele frequency attached by ClinVar (database versions not stated): gnomAD exomes below 0.00001.

Submission:

Labcorp Genetics (formerly Invitae), Labcorp
Classification: Uncertain significance for Neonatal-onset encephalopathy with rigidity and seizures. Last evaluated: 2022-08-23. Review status: criteria provided, single submitter. Criteria: Invitae Variant Classification Sherloc (09022015). Collection method: clinical testing. Allele origin: germline.
Comment: In summary, the available evidence is currently insufficient to determine the role of this variant in disease. Therefore, it has been classified as a Variant of Uncertain Significance. Algorithms developed to predict the effect of missense changes on protein structure and function are either unavailable or do not agree on the potential impact of this missense change (SIFT: "Deleterious"; PolyPhen-2: "Possibly Damaging"; Align-GVGD: "Class C0"). ClinVar contains an entry for this variant (Variation ID: 1411683). This variant has not been reported in the literature in individuals affected with BRAT1-related conditions. This variant is not present in population databases (gnomAD no frequency). This sequence change replaces proline, which is neutral and non-polar, with leucine, which is neutral and non-polar, at codon 134 of the BRAT1 protein (p.Pro134Leu).

NM_152743.4(BRAT1):c.401C>T (p.Pro134Leu)

Gene: BRAT1 (BRCA1 associated ATM activator 1; minus strand). Cytogenetic location: 7p22.3.
Variant type: single nucleotide variant.
Coding change: c.401C>T on transcript NM_152743.4 (MANE Select); coding-DNA position 401, C replaced by T.
Protein change: p.Pro134Leu; replaces proline 134 with leucine.
Molecular consequence: missense variant. On other transcripts: non-coding transcript variant (1), intron variant (1).
Genome position (GRCh38, 1-based): chr7:2,544,938, G>A on the plus strand (C>T on the coding strand, the complement: BRAT1 is on the minus strand). VCF-style: chr7-2544938-G-A. GRCh37 (hg19) VCF-style: chr7-2584572-G-A.
Other names: c.401C>T, p.Pro134Leu (NM_001350626.2); c.-95-976C>T (NM_001350627.2); short protein forms P134L.
Identifiers: ClinVar variation 1411683 (VCV001411683.6), dbSNP rs1779487416, ClinGen allele CA366632805.